The following is an entry in ClinVar:

NM_004519.4(KCNQ3):c.1736C>T (p.Thr579Met)

Gene: KCNQ3 (potassium voltage-gated channel subfamily Q member 3; minus strand). Cytogenetic location: 8q24.22.
Variant type: single nucleotide variant.
Coding change: c.1736C>T on transcript NM_004519.4 (MANE Select); coding-DNA position 1736, C replaced by T.
Protein change: p.Thr579Met; replaces threonine 579 with methionine.
Molecular consequence: missense variant.
Genome position (GRCh38, 1-based): chr8:132,134,353, G>A on the plus strand (C>T on the coding strand, the complement: KCNQ3 is on the minus strand). VCF-style: chr8-132134353-G-A. GRCh37 (hg19) VCF-style: chr8-133146600-G-A.
Other names: c.1376C>T, p.Thr459Met (NM_001204824.2); short protein forms T459M, T579M.
Identifiers: ClinVar variation 660000 (VCV000660000.8), dbSNP rs761487326, ClinGen allele CA4880603.

ClinVar aggregate classification (germline): Uncertain significance (1 of 4 stars; one submission).

Conditions:
Benign neonatal seizures. Also called: Benign familial neonatal seizures; Convulsions benign familial neonatal dominant form; Autosomal dominant form of benign neonatal seizures; Benign neonatal familial convulsions; Benign familial neonatal epilepsy. Identifiers: Orphanet 1949, MedGen C0220669, MONDO:0016027.

Allele frequency attached by ClinVar (database versions not stated): ExAC 0.00001; gnomAD 0.00001; gnomAD exomes 0.00001 and 0.00003; TOPMed 0.00002.
gnomAD v4.1: 49 of 1,613,750 alleles (0.003%); highest among the groups gnomAD compares: Non-Finnish European, 0.0041%; no homozygotes.

Submission:

Labcorp Genetics (formerly Invitae), Labcorp
Classification: Uncertain significance for Benign neonatal seizures. Last evaluated: 2024-05-19. Review status: criteria provided, single submitter. Criteria: Invitae Variant Classification Sherloc (09022015). Collection method: clinical testing. Allele origin: germline.
Comment: This sequence change replaces threonine, which is neutral and polar, with methionine, which is neutral and non-polar, at codon 579 of the KCNQ3 protein (p.Thr579Met). The frequency data for this variant in the population databases is considered unreliable, as metrics indicate poor data quality at this position in the gnomAD database. This variant has not been reported in the literature in individuals affected with KCNQ3-related conditions. ClinVar contains an entry for this variant (Variation ID: 660000). Advanced modeling of protein sequence and biophysical properties (such as structural, functional, and spatial information, amino acid conservation, physicochemical variation, residue mobility, and thermodynamic stability) performed at Invitae indicates that this missense variant is not expected to disrupt KCNQ3 protein function with a negative predictive value of 80%. In summary, the available evidence is currently insufficient to determine the role of this variant in disease. Therefore, it has been classified as a Variant of Uncertain Significance.